The following is an entry in ClinVar:

ClinVar aggregate classification (germline): Likely pathogenic. Review status: criteria provided, multiple submitters, no conflicts (2 of 4 stars). 3 submissions from 3 submitters: Likely pathogenic (2). 1 of the submissions does not count toward it. Last evaluated 2025-05-22.

Conditions:
SLC29A3-related disorder. Also called: SLC29A3-related condition.
H syndrome. Also called: HISTIOCYTOSIS AND LYMPHADENOPATHY WITH OR WITHOUT CUTANEOUS, CARDIAC, AND/OR ENDOCRINE FEATURES, JOINT CONTRACTURES, AND/OR DEAFNESS; HYPERPIGMENTATION, CUTANEOUS, WITH HYPERTRICHOSIS, HEPATOSPLENOMEGALY, HEART ANOMALIES, AND HYPOGONADISM WITH OR WITHOUT HEARING LOSS; PIGMENTED HYPERTRICHOSIS WITH INSULIN-DEPENDENT DIABETES MELLITUS; ROSAI-DORFMAN DISEASE, FAMILIAL; SINUS HISTIOCYTOSIS AND MASSIVE LYMPHADENOPATHY; Hyperpigmentation, Cutaneous, with Hypertrichosis, Hepatosplenomegaly, Heart Anomalies, Hearing Loss, and Hypogonadism. Identifiers: Orphanet 168569, MedGen C1864445, MONDO:0011273, OMIM 602782.

gnomAD v4.1: 9 of 1,612,698 alleles (0.00056%); highest among the groups gnomAD compares: Non-Finnish European, 0.00076%; no homozygotes.

Submissions (3):

Labcorp Genetics (formerly Invitae), Labcorp
Classification: Likely pathogenic for H syndrome. Last evaluated: 2025-05-22. Review status: criteria provided, single submitter. Criteria: Invitae Variant Classification Sherloc (09022015). Collection method: clinical testing. Allele origin: germline.
Comment: This sequence change affects a donor splice site in intron 3 of the SLC29A3 gene. It is expected to disrupt RNA splicing. Variants that disrupt the donor or acceptor splice site typically lead to a loss of protein function (PMID: 16199547), and loss-of-function variants in SLC29A3 are known to be pathogenic (PMID: 19336477, 20595384, 23406517, 25963354). This variant is present in population databases (rs375020619, gnomAD 0.0009%). This variant has not been reported in the literature in individuals affected with SLC29A3-related conditions. ClinVar contains an entry for this variant (Variation ID: 3355158). Algorithms developed to predict the effect of sequence changes on RNA splicing suggest that this variant may disrupt the consensus splice site. In summary, the currently available evidence indicates that the variant is pathogenic, but additional data are needed to prove that conclusively. Therefore, this variant has been classified as Likely Pathogenic.

Blueprint Genetics
Classification: Likely pathogenic for SLC29A3-related disorders. Last evaluated: 2024-03-25. Review status: criteria provided, single submitter. Criteria: ACMG Guidelines, 2015. Collection method: clinical testing. Allele origin: germline. Affected: yes. Observed: 3 variant alleles.

PreventionGenetics, part of Exact Sciences
Classification: Likely pathogenic for SLC29A3-related condition. Last evaluated: 2024-04-13. Review status: no assertion criteria provided. Collection method: clinical testing. Allele origin: germline. Not counted in ClinVar's aggregate classification.
Comment: The SLC29A3 c.383+1G>A variant is predicted to disrupt the GT donor site and interfere with normal splicing. This variant is predicted to alter splicing based on available splicing prediction programs (SpliceAI, Jaganathan et al. 2019. PubMed ID: 30661751). To our knowledge, this variant has not been reported in the literature. This variant is reported in 0.0018% of alleles in individuals of European (Non-Finnish) descent in gnomAD. Variants that disrupt the consensus splice donor site in SLC29A3 are expected to be pathogenic. This variant is interpreted as likely pathogenic.

Literature cited by the submitters: PubMed 16199547 (cited by Labcorp Genetics (formerly Invitae), Labcorp); PubMed 19336477 (cited by Labcorp Genetics (formerly Invitae), Labcorp); PubMed 20595384 (cited by Labcorp Genetics (formerly Invitae), Labcorp); PubMed 23406517 (cited by Labcorp Genetics (formerly Invitae), Labcorp); PubMed 25963354 (cited by Labcorp Genetics (formerly Invitae), Labcorp).

NM_018344.6(SLC29A3):c.383+1G>A

Genes: SLC29A3 (solute carrier family 29 member 3; plus strand), LOC105378353 (uncharacterized LOC105378353; minus strand). Cytogenetic location: 10q22.1.
Variant type: single nucleotide variant.
Coding change: c.383+1G>A on transcript NM_018344.6 (MANE Select); the canonical splice donor site of the intron after coding-DNA position 383, G replaced by A.
Molecular consequence: splice donor variant.
Genome position (GRCh38, 1-based): chr10:71,344,292, G>A. VCF-style: chr10-71344292-G-A. GRCh37 (hg19) VCF-style: chr10-73104049-G-A.
Other names: c.149+1G>A (NM_001363518.2); c.383+1G>A (NM_001174098.2).
Identifiers: ClinVar variation 3355158 (VCV003355158.3).
Genomic context (GRCh38, chr10:71,344,292, plus strand): 5'-CGTTGCCTCCACCGTGCCCTCCATGCTGTGCCTGGTGGCCAACTTCCTGCTTGTCAACAG[G>A]TAGGCGACTCTCTTCCCTCTCTCAGGCCTCTGCCTTGGTCTCCTGCCTCCTCTACTCCCC-3'